The following is an entry in ClinVar:

NM_001291815.2(HMCN2):c.13471_13472del (p.Leu4491fs)

Gene: HMCN2 (hemicentin 2; plus strand). Cytogenetic location: 9q34.11.
Variant type: Microsatellite.
Coding change: c.13471_13472del on transcript NM_001291815.2 (MANE Select); coding-DNA positions 13471 to 13472, 2 bases deleted (CT; older notation c.13471_13472delCT).
Protein change: p.Leu4491fs; shifts the reading frame from leucine 4491.
Molecular consequence: frameshift variant.
Genome position (GRCh38, 1-based): chr9:130,424,865-130,424,866, CT deleted; deleting any 2 consecutive bases within chr9:130,424,861-130,424,866 gives the same sequence; the c. name uses the placement nearest the transcript's 3' end. VCF-style (leftmost placement, unchanged base first): chr9-130424860-ACT-A. GRCh37 (hg19) VCF-style: chr9-133300247-ACT-A.
Other names: short protein forms L4491fs.
Identifiers: ClinVar variation 2659604 (VCV002659604.24), dbSNP rs760963111, ClinGen allele CA5282798.

ClinVar aggregate classification (germline): Likely benign (1 of 4 stars; one submission).

Submission:

CeGaT Center for Human Genetics Tuebingen
Classification: Likely benign. Last evaluated: 2023-07-01. Review status: criteria provided, single submitter. Criteria: CeGaT Center For Human Genetics Tuebingen Variant Classification Criteria Version 2. Collection method: clinical testing. Allele origin: germline. Affected: yes. Observed: 2 variant alleles.
Comment: HMCN2: BS2